The following is an entry in ClinVar:

ClinVar aggregate classification (germline): Uncertain significance (1 of 4 stars; one submission).

Conditions:
Tuberous sclerosis 1 (TSC1). Identifiers: Orphanet 805, MedGen C1854465, MONDO:0008612, OMIM 191100.

Submission:

Labcorp Genetics (formerly Invitae), Labcorp
Classification: Uncertain significance for Tuberous sclerosis 1. Last evaluated: 2023-12-14. Review status: criteria provided, single submitter. Criteria: Invitae Variant Classification Sherloc (09022015). Collection method: clinical testing. Allele origin: germline.
Comment: This sequence change replaces glutamine, which is neutral and polar, with proline, which is neutral and non-polar, at codon 65 of the TSC1 protein (p.Gln65Pro). This variant is not present in population databases (gnomAD no frequency). This variant has not been reported in the literature in individuals affected with TSC1-related conditions. Advanced modeling of protein sequence and biophysical properties (such as structural, functional, and spatial information, amino acid conservation, physicochemical variation, residue mobility, and thermodynamic stability) performed at Invitae indicates that this missense variant is not expected to disrupt TSC1 protein function with a negative predictive value of 95%. In summary, the available evidence is currently insufficient to determine the role of this variant in disease. Therefore, it has been classified as a Variant of Uncertain Significance.

NM_000368.5(TSC1):c.194A>C (p.Gln65Pro)

Gene: TSC1 (TSC complex subunit 1; minus strand). Cytogenetic location: 9q34.13.
Variant type: single nucleotide variant.
Coding change: c.194A>C on transcript NM_000368.5 (MANE Select); coding-DNA position 194, A replaced by C.
Protein change: p.Gln65Pro; replaces glutamine 65 with proline.
Molecular consequence: missense variant. On other transcripts: 5 prime UTR variant (9), non-coding transcript variant (4), intron variant (9).
Genome position (GRCh38, 1-based): chr9:132,927,217, T>G on the plus strand (A>C on the coding strand, the complement: TSC1 is on the minus strand). VCF-style: chr9-132927217-T-G. GRCh37 (hg19) VCF-style: chr9-135802604-T-G.
Other names: c.194A>C, p.Gln65Pro (NM_001406601.1, NM_001406602.1, NM_001406603.1 and 21 more transcripts); c.-295A>C (NM_001406615.1, NM_001406623.1); c.-262A>C (NM_001406616.1, NM_001406624.1); c.-684A>C (NM_001406626.1, NM_001406627.1, NM_001406628.1); c.-826A>C (NM_001406629.1); c.-900A>C (NM_001406630.1); c.-153-1478A>C (NM_001406620.1, NM_001406618.1, NM_001406625.1 and 5 more transcripts); c.-245-1478A>C (NM_001406614.1); short protein forms Q65P.
Identifiers: ClinVar variation 2701375 (VCV002701375.3), dbSNP rs2539109631, ClinGen allele CA375375057.
Genomic context (GRCh38, chr9:132,927,217, plus strand): 5'-CTCATGAAGAACATATGAAATGCCTATGATATTTCAGCCATTACCTTGTCATGTGGCTCT[T>G]GCAAGGTGGTCAGGATGTGCAATGCCGGCTGAGAGCTGGTTTCCAGGTAATAATCCACCA-3'
Protein context (NP_000359.1, residues 55-75): QPALHILTTL[Gln65Pro]EPHDKHLLDR